The following is an entry in ClinVar:

ClinVar aggregate classification (germline): Uncertain significance (1 of 4 stars; one submission).

gnomAD v4.1: 12 of 1,607,388 alleles (0.00075%); highest among the groups gnomAD compares: Non-Finnish European, 0.00093%; no homozygotes.

Submission:

Labcorp Genetics (formerly Invitae), Labcorp
Classification: Uncertain significance. Last evaluated: 2026-01-21. Review status: criteria provided, single submitter. Criteria: Invitae Variant Classification Sherloc (09022015). Collection method: clinical testing. Allele origin: germline.
Comment: This sequence change replaces proline, which is neutral and non-polar, with leucine, which is neutral and non-polar, at codon 193 of the SLC9A3 protein (p.Pro193Leu). This variant is present in population databases (no rsID available, gnomAD 0.0008%). This variant has not been reported in the literature in individuals affected with SLC9A3-related conditions. Invitae Evidence Modeling of protein sequence and biophysical properties (such as structural, functional, and spatial information, amino acid conservation, physicochemical variation, residue mobility, and thermodynamic stability) indicates that this missense variant is expected to disrupt SLC9A3 protein function with a positive predictive value of 80%. In summary, the available evidence is currently insufficient to determine the role of this variant in disease. Therefore, it has been classified as a Variant of Uncertain Significance.

NM_004174.4(SLC9A3):c.578C>T (p.Pro193Leu)

Gene: SLC9A3 (solute carrier family 9 member A3). Cytogenetic location: 5p15.33.
Variant type: single nucleotide variant.
Coding change: c.578C>T on transcript NM_004174.4 (MANE Select); coding-DNA position 578, C replaced by T.
Protein change: p.Pro193Leu; replaces proline 193 with leucine.
Molecular consequence: missense variant.
Genome position (GRCh38, 1-based): chr5:488,413, G>A on the plus strand (C>T on the coding strand, the complement: SLC9A3 is on the minus strand). VCF-style: chr5-488413-G-A. GRCh37 (hg19) VCF-style: chr5-488528-G-A.
Other names: c.578C>T, p.Pro193Leu (NM_001284351.3); short protein forms P193L.
Identifiers: ClinVar variation 4811193 (VCV004811193.1).
Genomic context (GRCh38, chr5:488,413, plus strand): 5'-ACGATGATGAACAGGACCTCGTTGACATGGACCTCCTCAAACACGGCCAGGACGGCCACC[G>A]GGTCCACAGCCGCCATGAGGCTGCCAAACAGGAGGAAGTCCAGCAGCCCAATCTGCAGGT-3'
Protein context (NP_004165.2, residues 183-203): LFGSLMAAVD[Pro193Leu]VAVLAVFEEV